The following is an entry in ClinVar:

NM_000548.5(TSC2):c.-4C>T

Gene: TSC2 (TSC complex subunit 2; plus strand). Cytogenetic location: 16p13.3.
Variant type: single nucleotide variant.
Coding change: c.-4C>T on transcript NM_000548.5 (MANE Select); 4 bases upstream of the start codon, C replaced by T.
Molecular consequence: 5 prime UTR variant. On other transcripts: synonymous variant (1), intron variant (1).
Genome position (GRCh38, 1-based): chr16:2,048,612, C>T. VCF-style: chr16-2048612-C-T. GRCh37 (hg19) VCF-style: chr16-2098613-C-T.
Other names: c.-4C>T (NM_001077183.3, NM_001114382.3, NM_001318827.2 and 4 more transcripts); c.-230C>T (NM_001318831.2); c.30C>T, p.Ser10= (NM_001318832.2); c.-10+547C>T (NM_001318829.2).
Identifiers: ClinVar variation 825358 (VCV000825358.6), dbSNP rs1596233597, ClinGen allele CA915946200.

ClinVar aggregate classification (germline): Uncertain significance. Review status: criteria provided, multiple submitters, no conflicts (2 of 4 stars). 2 submissions from 2 submitters: Uncertain significance (2). Last evaluated 2025-02-13.

Conditions:
Hereditary cancer-predisposing syndrome. Also called: Neoplastic Syndromes, Hereditary; Hereditary Cancer Syndrome; Hereditary neoplastic syndrome; Tumor predisposition. Identifiers: Orphanet 140162, MedGen C0027672, MeSH D009386, MONDO:0015356.
Tuberous sclerosis syndrome (TSC). Also called: Tuberous Sclerosis Complex; Tuberous sclerosis. Identifiers: Orphanet 805, MedGen C0041341, MONDO:0001734.

Allele frequency attached by ClinVar (database versions not stated): gnomAD exomes below 0.00001.
gnomAD v4.1: 2 of 1,613,800 alleles (0.00012%); highest among the groups gnomAD compares: South Asian, 0.0011%; no homozygotes.

Submissions (2):

Ambry Genetics
Classification: Uncertain significance for Hereditary cancer-predisposing syndrome. Last evaluated: 2025-02-13. Review status: criteria provided, single submitter. Criteria: Ambry Variant Classification Scheme 2023. Collection method: clinical testing. Allele origin: germline.
Comment: The c.-4C>T variant is located in the 5' untranslated region (5&rsquo; UTR) of the TSC2 gene. This variant results from a C to T substitution 4 bases upstream from the first translated codon. This nucleotide position is well conserved in available vertebrate species. Based on the available evidence, the clinical significance of this variant remains unclear.

All of Us Research Program, National Institutes of Health
Classification: Uncertain significance for Tuberous sclerosis syndrome. Last evaluated: 2023-08-15. Review status: criteria provided, single submitter. Criteria: ACMG Guidelines, 2015. Collection method: clinical testing. Allele origin: germline. Inheritance: Autosomal dominant inheritance. Observed: 2 variant alleles, 2 heterozygotes.
Comment: This variant is located in the 5' untranslated region of the TSC2 gene. To our knowledge, functional studies have not been reported for this variant. This variant has not been reported in individuals affected with TSC2-related disorders in the literature. This variant has not been identified in the general population by the Genome Aggregation Database (gnomAD). The available evidence is insufficient to determine the role of this variant in disease conclusively. Therefore, this variant is classified as a Variant of Uncertain Significance.

This study involves interpretation of variants in research participants for the purpose of population health screening. Participant phenotype was not available at the time of variant classification. Additional details can be found in publication PMID: 35346344, PMCID: PMC8962531